The following is an entry in ClinVar:

NM_001711.6(BGN):c.608G>A (p.Gly203Glu)

Gene: BGN (biglycan; plus strand). Cytogenetic location: Xq28.
Variant type: single nucleotide variant.
Coding change: c.608G>A on transcript NM_001711.6 (MANE Select); coding-DNA position 608, G replaced by A.
Protein change: p.Gly203Glu; replaces glycine 203 with glutamic acid.
Molecular consequence: missense variant.
Genome position (GRCh38, 1-based): chrX:153,506,571, G>A. VCF-style: chrX-153506571-G-A. GRCh37 (hg19) VCF-style: chrX-152772029-G-A.
Other names: short protein forms G203E.
Identifiers: ClinVar variation 4691115 (VCV004691115.1).

ClinVar aggregate classification (germline): Uncertain significance (1 of 4 stars; one submission).

gnomAD v4.1: 2 of 1,209,393 alleles (0.00017%); highest among the groups gnomAD compares: African/African-American, 0.0035%; no homozygotes.

Submission:

Labcorp Genetics (formerly Invitae), Labcorp
Classification: Uncertain significance. Last evaluated: 2025-04-18. Review status: criteria provided, single submitter. Criteria: Invitae Variant Classification Sherloc (09022015). Collection method: clinical testing. Allele origin: germline.
Comment: This sequence change replaces glycine, which is neutral and non-polar, with glutamic acid, which is acidic and polar, at codon 203 of the BGN protein (p.Gly203Glu). This variant is not present in population databases (gnomAD no frequency). This variant has not been reported in the literature in individuals affected with BGN-related conditions. Invitae Evidence Modeling of protein sequence and biophysical properties (such as structural, functional, and spatial information, amino acid conservation, physicochemical variation, residue mobility, and thermodynamic stability) indicates that this missense variant is not expected to disrupt BGN protein function with a negative predictive value of 80%. In summary, the available evidence is currently insufficient to determine the role of this variant in disease. Therefore, it has been classified as a Variant of Uncertain Significance.